The following is an entry in ClinVar:

NM_024675.4(PALB2):c.1352dup (p.Leu451fs)

Gene: PALB2 (partner and localizer of BRCA2; minus strand). Cytogenetic location: 16p12.2.
Variant type: Duplication.
Coding change: c.1352dup on transcript NM_024675.4 (MANE Select); coding-DNA position 1352, one base duplicated (T; older notation c.1352dupT).
Protein change: p.Leu451fs; shifts the reading frame from leucine 451.
Molecular consequence: frameshift variant.
Genome position (GRCh38, 1-based): chr16:23,635,194, A duplicated on the plus strand (T on the coding strand, the reverse complement: PALB2 is on the minus strand); the first of 3 consecutive A bases (chr16:23,635,194-23,635,196); duplicating any one gives the same sequence. VCF-style (leftmost placement, unchanged base first): chr16-23635193-T-TA. GRCh37 (hg19) VCF-style: chr16-23646514-T-TA.
Other names: c.1352dup (NM_024675.3); short protein forms L451fs.
Identifiers: ClinVar variation 818959 (VCV000818959.15), dbSNP rs1597096326, ClinGen allele CA915949203.

ClinVar aggregate classification (germline): Pathogenic. Review status: criteria provided, multiple submitters, no conflicts (2 of 4 stars). 3 submissions from 3 submitters: Pathogenic (3). Last evaluated 2024-05-23.

Conditions:
Hereditary cancer-predisposing syndrome. Also called: Tumor predisposition; Hereditary neoplastic syndrome; Neoplastic Syndromes, Hereditary; Hereditary Cancer Syndrome. Identifiers: Orphanet 140162, MedGen C0027672, MeSH D009386, MONDO:0015356.
Familial cancer of breast. Also called: hereditary breast carcinoma; Hereditary breast cancer; BREAST CANCER, FAMILIAL. Identifiers: Orphanet 227535, MedGen C0346153, MONDO:0016419, OMIM 114480. Disease mechanism: loss of function.

Submissions (3):

Ambry Genetics
Classification: Pathogenic for Hereditary cancer-predisposing syndrome. Last evaluated: 2024-05-23. Review status: criteria provided, single submitter. Criteria: Ambry Variant Classification Scheme 2023. Collection method: clinical testing. Allele origin: germline.
Comment: The c.1352dupT pathogenic mutation, located in coding exon 4 of the PALB2 gene, results from a duplication of T at nucleotide position 1352, causing a translational frameshift with a predicted alternate stop codon (p.L451Ffs*6). This variant is considered to be rare based on population cohorts in the Genome Aggregation Database (gnomAD). This alteration is expected to result in loss of function by premature protein truncation or nonsense-mediated mRNA decay. As such, this alteration is interpreted as a disease-causing mutation.

Labcorp Genetics (formerly Invitae), Labcorp
Classification: Pathogenic for Familial cancer of breast. Last evaluated: 2024-03-05. Review status: criteria provided, single submitter. Criteria: Invitae Variant Classification Sherloc (09022015). Collection method: clinical testing. Allele origin: germline.
Comment: This sequence change creates a premature translational stop signal (p.Leu451Phefs*6) in the PALB2 gene. It is expected to result in an absent or disrupted protein product. Loss-of-function variants in PALB2 are known to be pathogenic (PMID: 17200668, 17200671, 17200672, 24136930, 25099575). This variant is not present in population databases (gnomAD no frequency). This variant has not been reported in the literature in individuals affected with PALB2-related conditions. ClinVar contains an entry for this variant (Variation ID: 818959). For these reasons, this variant has been classified as Pathogenic.

Myriad Genetics, Inc.
Classification: Pathogenic for Familial cancer of breast. Last evaluated: 2023-09-08. Review status: criteria provided, single submitter. Criteria: Myriad Autosomal Dominant, Autosomal Recessive and X-Linked Classification Criteria (2023). Collection method: clinical testing. Allele origin: unknown.
Comment: This variant is considered pathogenic. This variant creates a frameshift predicted to result in premature protein truncation.

Literature cited by the submitters: PubMed 17200668 (cited by Labcorp Genetics (formerly Invitae), Labcorp); PubMed 17200671 (cited by Labcorp Genetics (formerly Invitae), Labcorp); PubMed 17200672 (cited by Labcorp Genetics (formerly Invitae), Labcorp); PubMed 24136930 (cited by Labcorp Genetics (formerly Invitae), Labcorp); PubMed 25099575 (cited by Labcorp Genetics (formerly Invitae), Labcorp).